The following is an entry in ClinVar:

ClinVar aggregate classification (germline): Uncertain significance. Review status: criteria provided, multiple submitters, no conflicts (2 of 4 stars). 3 submissions from 3 submitters: Uncertain significance (3). Last evaluated 2025-12-22.

Conditions:
Combined immunodeficiency due to STIM1 deficiency. Also called: IMMUNODEFICIENCY 10; STIM1 DEFICIENCY. Identifiers: Orphanet 169090, Orphanet 317430, MedGen C2748557, MONDO:0013008, OMIM 612783.
Stormorken syndrome (STRMK). Also called: THROMBOCYTOPATHY, ASPLENIA, AND MIOSIS. Identifiers: Orphanet 3204, MedGen C1861451, MONDO:0008497, OMIM 185070.
Myopathy with tubular aggregates (TAM). Also called: Tubular Aggregate Myopathy. Identifiers: Orphanet 2593, MedGen C0410207, MONDO:0008051.
Inborn genetic diseases. Identifiers: MedGen C0950123, MeSH D030342.

Allele frequency attached by ClinVar (database versions not stated): ExAC 0.00001; gnomAD 0.00001; gnomAD exomes 0.00002; TOPMed 0.00002.
gnomAD v4.1: 40 of 1,614,006 alleles (0.0025%); highest among the groups gnomAD compares: Admixed American, 0.0033%; no homozygotes.

Submissions (3):

Ambry Genetics
Classification: Uncertain significance for Inborn genetic diseases. Last evaluated: 2025-12-22. Review status: criteria provided, single submitter. Criteria: Ambry Variant Classification Scheme 2023. Collection method: clinical testing. Allele origin: germline.

Labcorp Genetics (formerly Invitae), Labcorp
Classification: Uncertain significance for Myopathy with tubular aggregates; Combined immunodeficiency due to STIM1 deficiency; Stormorken syndrome. Last evaluated: 2025-11-17. Review status: criteria provided, single submitter. Criteria: Invitae Variant Classification Sherloc (09022015). Collection method: clinical testing. Allele origin: germline.
Comment: This sequence change replaces arginine, which is basic and polar, with glutamine, which is neutral and polar, at codon 50 of the STIM1 protein (p.Arg50Gln). This variant is present in population databases (rs201245746, gnomAD 0.006%). This variant has not been reported in the literature in individuals affected with STIM1-related conditions. ClinVar contains an entry for this variant (Variation ID: 568734). Invitae Evidence Modeling of protein sequence and biophysical properties (such as structural, functional, and spatial information, amino acid conservation, physicochemical variation, residue mobility, and thermodynamic stability) has been performed for this missense variant. However, the output from this modeling did not meet the statistical confidence thresholds required to predict the impact of this variant on STIM1 protein function. In summary, the available evidence is currently insufficient to determine the role of this variant in disease. Therefore, it has been classified as a Variant of Uncertain Significance.

Women's Health and Genetics/Laboratory Corporation of America, LabCorp
Classification: Uncertain significance. Last evaluated: 2024-12-30. Review status: criteria provided, single submitter. Criteria: LabCorp Variant Classification Summary - May 2015. Collection method: clinical testing. Allele origin: germline.
Comment: Variant summary: STIM1 c.149G>A (p.Arg50Gln) results in a conservative amino acid change in the encoded protein sequence. Four of five in-silico tools predict a benign effect of the variant on protein function. The variant allele was found at a frequency of 2e-05 in 251418 control chromosomes (gnomAD). The available data on variant occurrences in the general population are insufficient to allow any conclusion about variant significance. c.149G>A has been reported in the literature in individuals affected with developmental disorder (Kaplanis_2020, Zhou_2022). These reports do not provide unequivocal conclusions about association of the variant with STIM1-Related Disorders. To our knowledge, no experimental evidence demonstrating an impact on protein function has been reported. The following publications have been ascertained in the context of this evaluation (PMID: 33057194, 35982159). ClinVar contains an entry for this variant (Variation ID: 568734). Based on the evidence outlined above, the variant was classified as uncertain significance.

Literature cited by the submitters: PubMed 35982159 (cited by Women's Health and Genetics/Laboratory Corporation of America, LabCorp); PubMed 33057194 (cited by Women's Health and Genetics/Laboratory Corporation of America, LabCorp).

NM_001382567.1(STIM1):c.149G>A (p.Arg50Gln)

Gene: STIM1 (stromal interaction molecule 1; plus strand). Cytogenetic location: 11p15.4.
Variant type: single nucleotide variant.
Coding change: c.149G>A on transcript NM_001382567.1 (MANE Select); coding-DNA position 149, G replaced by A.
Protein change: p.Arg50Gln; replaces arginine 50 with glutamine.
Molecular consequence: missense variant. On other transcripts: 5 prime UTR variant (8), non-coding transcript variant (3), intron variant (4).
Genome position (GRCh38, 1-based): chr11:3,967,561, G>A. VCF-style: chr11-3967561-G-A. GRCh37 (hg19) VCF-style: chr11-3988791-G-A.
Other names: c.149G>A, p.Arg50Gln (NM_001277961.3, NM_001277962.2, NM_001382568.1 and 3 more transcripts); c.-74G>A (NM_001382566.1, NM_001382573.1, NM_001382574.1 and 5 more transcripts); c.-219-56312G>A (NM_001382580.1, NM_001382581.1); c.136-56312G>A (NM_001382569.1); c.-98-56312G>A (NM_001382571.1); short protein forms R50Q.
Identifiers: ClinVar variation 568734 (VCV000568734.15), dbSNP rs201245746, ClinGen allele CA5830149.